The following is an entry in ClinVar:

ClinVar aggregate classification (germline): Uncertain significance (1 of 4 stars; one submission).

Submission:

GeneDx
Classification: Uncertain significance. Last evaluated: 2019-08-19. Review status: criteria provided, single submitter. Criteria: GeneDx Variant Classification Process June 2021. Collection method: clinical testing. Allele origin: germline. Affected: yes.
Comment: Not observed in large population cohorts (Lek et al., 2016); In silico analysis, which includes protein predictors and evolutionary conservation, supports that this variant does not alter protein structure/function; Has not been previously published as pathogenic or benign to our knowledge

NM_022124.6(CDH23):c.9512G>T (p.Gly3171Val)

Gene: CDH23 (cadherin related 23; plus strand). Cytogenetic location: 10q22.1.
Variant type: single nucleotide variant.
Coding change: c.9512G>T on transcript NM_022124.6 (MANE Select); coding-DNA position 9512, G replaced by T.
Protein change: p.Gly3171Val; replaces glycine 3171 with valine.
Molecular consequence: missense variant.
Genome position (GRCh38, 1-based): chr10:71,812,769, G>T. VCF-style: chr10-71812769-G-T. GRCh37 (hg19) VCF-style: chr10-73572526-G-T.
Other names: c.2792G>T, p.Gly931Val (NM_001171933.1, NM_001171934.1); c.203G>T, p.Gly68Val (NM_001171935.1, NM_001171936.1); short protein forms G3171V, G68V, G931V.
Identifiers: ClinVar variation 1304850 (VCV001304850.2), dbSNP rs1321844333, ClinGen allele CA377136934.